The following is an entry in ClinVar:

NM_139318.5(KCNH5):c.1585C>T (p.Pro529Ser)

Gene: KCNH5 (potassium voltage-gated channel subfamily H member 5; minus strand). Cytogenetic location: 14q23.2.
Variant type: single nucleotide variant.
Coding change: c.1585C>T on transcript NM_139318.5 (MANE Select); coding-DNA position 1585, C replaced by T.
Protein change: p.Pro529Ser; replaces proline 529 with serine.
Molecular consequence: missense variant.
Genome position (GRCh38, 1-based): chr14:62,802,566, G>A on the plus strand (C>T on the coding strand, the complement: KCNH5 is on the minus strand). VCF-style: chr14-62802566-G-A. GRCh37 (hg19) VCF-style: chr14-63269284-G-A.
Other names: c.1585C>T, p.Pro529Ser (NM_172375.3); short protein forms P529S.
Identifiers: ClinVar variation 4719925 (VCV004719925.1).
Genomic context (GRCh38, chr14:62,802,566, plus strand): 5'-GATGTTCATTAAAAACCTTCCGGTTTAGATGAACACAGATATCAGCTCTCATGTCCTTGG[G>A]ACAGATGGAGAGGACCTAAAGAAGGTGAGAGATGAATAAGTGAAAAGGAAAGAGGAAGGG-3'
Protein context (NP_647479.2, residues 519-539): IDTEKVLSIC[Pro529Ser]KDMRADICVH

ClinVar aggregate classification (germline): Uncertain significance (1 of 4 stars; one submission).

Conditions:
Early-infantile DEE. Also called: Ohtahara syndrome; Early infantile epileptic encephalopathy with suppression bursts; Early infantile epileptic encephalopathy. Identifiers: Orphanet 1934, MedGen C0393706, MONDO:0800491.

Submission:

Labcorp Genetics (formerly Invitae), Labcorp
Classification: Uncertain significance for Early-infantile DEE. Last evaluated: 2025-05-21. Review status: criteria provided, single submitter. Criteria: Invitae Variant Classification Sherloc (09022015). Collection method: clinical testing. Allele origin: germline.
Comment: This sequence change replaces proline, which is neutral and non-polar, with serine, which is neutral and polar, at codon 529 of the KCNH5 protein (p.Pro529Ser). This variant is not present in population databases (gnomAD no frequency). This variant has not been reported in the literature in individuals affected with KCNH5-related conditions. An algorithm developed to predict the effect of missense changes on protein structure and function (PolyPhen-2) suggests that this variant is likely to be disruptive. In summary, the available evidence is currently insufficient to determine the role of this variant in disease. Therefore, it has been classified as a Variant of Uncertain Significance.